The following is an entry in ClinVar:

ClinVar aggregate classification (germline): Uncertain significance. Review status: criteria provided, multiple submitters, no conflicts (2 of 4 stars). 3 submissions from 3 submitters: Uncertain significance (3). Last evaluated 2025-06-04.

Conditions:
Age related macular degeneration 1 (ARMD1). Also called: MACULOPATHY, AGE-RELATED, 1. Identifiers: MedGen C1864205, MONDO:0011285, OMIM 603075.

Allele frequency attached by ClinVar (database versions not stated): ExAC 0.00001; gnomAD exomes 0.00002 and 0.00004; gnomAD 0.00003; TOPMed 0.00005.
gnomAD v4.1: 66 of 1,614,096 alleles (0.0041%); highest among the groups gnomAD compares: East Asian, 0.074%; no homozygotes.

Submissions (3):

Labcorp Genetics (formerly Invitae), Labcorp
Classification: Uncertain significance. Last evaluated: 2025-06-04. Review status: criteria provided, single submitter. Criteria: Invitae Variant Classification Sherloc (09022015). Collection method: clinical testing. Allele origin: germline.
Comment: This sequence change replaces proline, which is neutral and non-polar, with leucine, which is neutral and non-polar, at codon 4107 of the HMCN1 protein (p.Pro4107Leu). This variant is present in population databases (rs766042341, gnomAD 0.01%). This variant has not been reported in the literature in individuals affected with HMCN1-related conditions. ClinVar contains an entry for this variant (Variation ID: 876793). An algorithm developed to predict the effect of missense changes on protein structure and function (PolyPhen-2) suggests that this variant is likely to be tolerated. In summary, the available evidence is currently insufficient to determine the role of this variant in disease. Therefore, it has been classified as a Variant of Uncertain Significance.

Genome-Nilou Lab
Classification: Uncertain significance for Age related macular degeneration 1. Last evaluated: 2023-04-11. Review status: criteria provided, single submitter. Criteria: ACMG Guidelines, 2015. Collection method: clinical testing. Allele origin: germline. Affected: no.

Illumina Laboratory Services, Illumina
Classification: Uncertain significance for Age related macular degeneration 1. Last evaluated: 2018-01-13. Review status: criteria provided, single submitter. Criteria: ICSL Variant Classification Criteria 13 December 2019. Collection method: clinical testing. Allele origin: germline.

NM_031935.3(HMCN1):c.12320C>T (p.Pro4107Leu)

Gene: HMCN1 (hemicentin 1; plus strand). Cytogenetic location: 1q31.1.
Variant type: single nucleotide variant.
Coding change: c.12320C>T on transcript NM_031935.3 (MANE Select); coding-DNA position 12320, C replaced by T.
Protein change: p.Pro4107Leu; replaces proline 4107 with leucine.
Molecular consequence: missense variant.
Genome position (GRCh38, 1-based): chr1:186,123,041, C>T. VCF-style: chr1-186123041-C-T. GRCh37 (hg19) VCF-style: chr1-186092173-C-T.
Other names: short protein forms P4107L.
Identifiers: ClinVar variation 876793 (VCV000876793.10), dbSNP rs766042341, ClinGen allele CA1294323.